The following is an entry in ClinVar:

ClinVar aggregate classification (germline): Likely benign. Review status: criteria provided, multiple submitters, no conflicts (2 of 4 stars). 2 submissions from 2 submitters: Likely benign (2). Last evaluated 2026-01-12.

Conditions:
Benign neonatal seizures. Also called: Benign familial neonatal epilepsy; Convulsions benign familial neonatal dominant form; Autosomal dominant form of benign neonatal seizures; Benign neonatal familial convulsions; Benign familial neonatal seizures. Identifiers: Orphanet 1949, MedGen C0220669, MONDO:0016027.

Allele frequency attached by ClinVar (database versions not stated): gnomAD 0.00001; TOPMed 0.00003; gnomAD exomes 0.00004 and 0.00008; ExAC 0.00010.
gnomAD v4.1: 24 of 1,611,396 alleles (0.0015%); highest among the groups gnomAD compares: Admixed American, 0.038%; no homozygotes.

Submissions (2):

Labcorp Genetics (formerly Invitae), Labcorp
Classification: Likely benign for Benign neonatal seizures. Last evaluated: 2026-01-12. Review status: criteria provided, single submitter. Criteria: Invitae Variant Classification Sherloc (09022015). Collection method: clinical testing. Allele origin: germline.

GeneDx
Classification: Likely benign. Last evaluated: 2017-07-19. Review status: criteria provided, single submitter. Criteria: GeneDx Variant Classification (06012015). Collection method: clinical testing. Allele origin: germline. Affected: yes.
Comment: This variant is considered likely benign or benign based on one or more of the following criteria: it is a conservative change, it occurs at a poorly conserved position in the protein, it is predicted to be benign by multiple in silico algorithms, and/or has population frequency not consistent with disease.

NM_004519.4(KCNQ3):c.1045-4C>T

Gene: KCNQ3 (potassium voltage-gated channel subfamily Q member 3; minus strand). Cytogenetic location: 8q24.22.
Variant type: single nucleotide variant.
Coding change: c.1045-4C>T on transcript NM_004519.4 (MANE Select); 4 bases into the intron before coding-DNA position 1045, C replaced by T.
Molecular consequence: intron variant.
Genome position (GRCh38, 1-based): chr8:132,172,697, G>A on the plus strand (C>T on the coding strand, the complement: KCNQ3 is on the minus strand). VCF-style: chr8-132172697-G-A. GRCh37 (hg19) VCF-style: chr8-133184944-G-A.
Other names: c.685-4C>T (NM_001204824.2).
Identifiers: ClinVar variation 413256 (VCV000413256.11), dbSNP rs777650536, ClinGen allele CA4880786.